The following is an entry in ClinVar:

NM_017934.7(PHIP):c.98A>T (p.Gln33Leu)

Gene: PHIP (PHIP subunit of CUL4-Ring ligase complex; minus strand). Cytogenetic location: 6q14.1.
Variant type: single nucleotide variant.
Coding change: c.98A>T on transcript NM_017934.7 (MANE Select); coding-DNA position 98, A replaced by T.
Protein change: p.Gln33Leu; replaces glutamine 33 with leucine.
Molecular consequence: missense variant.
Genome position (GRCh38, 1-based): chr6:79,077,856, T>A on the plus strand (A>T on the coding strand, the complement: PHIP is on the minus strand). VCF-style: chr6-79077856-T-A. GRCh37 (hg19) VCF-style: chr6-79787573-T-A.
Other names: short protein forms Q33L.
Identifiers: ClinVar variation 4994683 (VCV004994683.1).
Genomic context (GRCh38, chr6:79,077,856, plus strand): 5'-CCTCCCCCACGCCCGCGAGCGGCGAGCGCCGGCCCGGCCCGCGCCGCGCGCCGCCGTACC[T>A]GAGCCGCCTGCTGACAGGGTCCATCTTCCAGGAACCGGGCGATGAGGAAGTAGAGCTCTG-3'
Protein context (NP_060404.4, residues 23-43): LEDGPCQQAA[Gln33Leu]VLIREVAEKE

ClinVar aggregate classification (germline): Uncertain significance (1 of 4 stars; one submission).

Conditions:
PHIP-related disorder. Also called: PHIP-related disorders; PHIP-related condition.

Submission:

PreventionGenetics, part of Exact Sciences
Classification: Uncertain significance for PHIP-related condition. Last evaluated: 2026-06-26. Review status: criteria provided, single submitter. Criteria: ACMG Guidelines, 2015. Collection method: clinical testing. Allele origin: germline.
Comment: The PHIP c.98A>T variant is predicted to result in the amino acid substitution p.Gln33Leu. To our knowledge, this variant has not been reported in the literature or in a large population database (gnomAD), indicating this variant is rare. At this time, the clinical significance of this variant is uncertain due to the absence of conclusive functional and genetic evidence.